The following is an entry in ClinVar:

ClinVar aggregate classification (germline): Uncertain significance (1 of 4 stars; one submission).

Conditions:
Mucopolysaccharidosis, MPS-III-A (MPS3A). Also called: HEPARAN SULFATE SULFATASE DEFICIENCY; SANFILIPPO SYNDROME A; SULFAMIDASE DEFICIENCY; MPS III A; Mucopolysaccharidosis, type IIIA; MUCOPOLYSACCHARIDOSIS, TYPE IIIA, ATTENUATED. Identifiers: Orphanet 581, Orphanet 79269, MedGen C0086647, MONDO:0009655, OMIM 252900.

Allele frequency attached by ClinVar (database versions not stated): gnomAD 0.00001; TOPMed below 0.00001.
gnomAD v4.1: 3 of 1,613,376 alleles (0.00019%); highest among the groups gnomAD compares: African/African-American, 0.0027%; no homozygotes.

Submission:

Labcorp Genetics (formerly Invitae), Labcorp
Classification: Uncertain significance for Mucopolysaccharidosis, MPS-III-A. Last evaluated: 2021-09-17. Review status: criteria provided, single submitter. Criteria: Invitae Variant Classification Sherloc (09022015). Collection method: clinical testing. Allele origin: germline.
Comment: This sequence change replaces tyrosine with phenylalanine at codon 312 of the SGSH protein (p.Tyr312Phe). The tyrosine residue is highly conserved and there is a small physicochemical difference between tyrosine and phenylalanine. This variant is not present in population databases (ExAC no frequency). This variant has not been reported in the literature in individuals with SGSH-related conditions. Algorithms developed to predict the effect of missense changes on protein structure and function output the following: SIFT: "Tolerated"; PolyPhen-2: "Benign"; Align-GVGD: "Class C0". The phenylalanine amino acid residue is found in multiple mammalian species, suggesting that this missense change does not adversely affect protein function. These predictions have not been confirmed by published functional studies and their clinical significance is uncertain. In summary, the available evidence is currently insufficient to determine the role of this variant in disease. Therefore, it has been classified as a Variant of Uncertain Significance.

NM_000199.5(SGSH):c.935A>T (p.Tyr312Phe)

Gene: SGSH (N-sulfoglucosamine sulfohydrolase; minus strand). Cytogenetic location: 17q25.3.
Variant type: single nucleotide variant.
Coding change: c.935A>T on transcript NM_000199.5 (MANE Select); coding-DNA position 935, A replaced by T.
Protein change: p.Tyr312Phe; replaces tyrosine 312 with phenylalanine.
Molecular consequence: missense variant. On other transcripts: non-coding transcript variant (1).
Genome position (GRCh38, 1-based): chr17:80,212,085, T>A on the plus strand (A>T on the coding strand, the complement: SGSH is on the minus strand). VCF-style: chr17-80212085-T-A. GRCh37 (hg19) VCF-style: chr17-78185884-T-A.
Other names: c.935A>T, p.Tyr312Phe (NM_001352921.3, NM_001352922.2); short protein forms Y312F.
Identifiers: ClinVar variation 2071860 (VCV002071860.1), dbSNP rs1421922076, ClinGen allele CA401359630.